The following is an entry in ClinVar:

NM_031844.3(HNRNPU):c.223G>C (p.Glu75Gln)

Gene: HNRNPU (heterogeneous nuclear ribonucleoprotein U; minus strand). Cytogenetic location: 1q44.
Variant type: single nucleotide variant.
Coding change: c.223G>C on transcript NM_031844.3 (MANE Select); coding-DNA position 223, G replaced by C.
Protein change: p.Glu75Gln; replaces glutamic acid 75 with glutamine.
Molecular consequence: missense variant.
Genome position (GRCh38, 1-based): chr1:244,864,085, C>G on the plus strand (G>C on the coding strand, the complement: HNRNPU is on the minus strand). VCF-style: chr1-244864085-C-G. GRCh37 (hg19) VCF-style: chr1-245027387-C-G.
Other names: c.223G>C, p.Glu75Gln (NM_004501.3); short protein forms E75Q.
Identifiers: ClinVar variation 941217 (VCV000941217.13), dbSNP rs773969888, ClinGen allele CA1486843.

ClinVar aggregate classification (germline): Likely benign. Review status: criteria provided, multiple submitters, no conflicts (2 of 4 stars). 3 submissions from 3 submitters: Likely benign (3). Last evaluated 2026-04-01.

Conditions:
Developmental and epileptic encephalopathy, 54. Also called: Epileptic encephalopathy, early infantile, 54; HNRNPU-Related Neurodevelopmental Disorder. Identifiers: MedGen C4479319, MONDO:0033363, OMIM 617391.

Allele frequency attached by ClinVar (database versions not stated): TOPMed 0.00003.
gnomAD v4.1: 143 of 1,598,874 alleles (0.0089%); highest among the groups gnomAD compares: Non-Finnish European, 0.011%; no homozygotes.

Submissions (3):

CeGaT Center for Human Genetics Tuebingen
Classification: Likely benign. Last evaluated: 2026-04-01. Review status: criteria provided, single submitter. Criteria: CeGaT Center For Human Genetics Tuebingen Variant Classification Criteria Version 2. Collection method: clinical testing. Allele origin: germline. Affected: yes. Observed: 1 variant allele.
Comment: HNRNPU: BS1

Labcorp Genetics (formerly Invitae), Labcorp
Classification: Likely benign for Developmental and epileptic encephalopathy, 54. Last evaluated: 2025-09-03. Review status: criteria provided, single submitter. Criteria: Invitae Variant Classification Sherloc (09022015). Collection method: clinical testing. Allele origin: germline.

Fulgent Genetics
Classification: Likely benign for Developmental and epileptic encephalopathy, 54. Last evaluated: 2024-03-06. Review status: criteria provided, single submitter. Criteria: ACMG Guidelines, 2015. Collection method: clinical testing. Allele origin: germline.